The following is an entry in ClinVar:

ClinVar aggregate classification (germline): Pathogenic. Review status: criteria provided, multiple submitters, no conflicts (2 of 4 stars). 4 submissions from 4 submitters: Pathogenic (3). 1 of the submissions does not count toward it. Last evaluated 2026-01-26.

Conditions:
Walker-Warburg congenital muscular dystrophy. Also called: Muscular dystrophy-dystroglycanopathy, type A; Walker-Warburg syndrome. Identifiers: Orphanet 899, MedGen C0265221, MONDO:0000171.
Muscular dystrophy-dystroglycanopathy (congenital with brain and eye anomalies), type A5. Also called: WALKER-WARBURG SYNDROME OR MUSCLE-EYE-BRAIN DISEASE, FKRP-RELATED; MUSCULAR DYSTROPHY-DYSTROGLYCANOPATHY (CONGENITAL WITH BRAIN AND EYE ANOMALIES), TYPE A, 5. Identifiers: Orphanet 588, Orphanet 899, MedGen C3150413, MONDO:0013157, OMIM 613153.
Autosomal recessive limb-girdle muscular dystrophy type 2I. Also called: MUSCULAR DYSTROPHY-DYSTROGLYCANOPATHY (LIMB-GIRDLE), TYPE C, 5; MUSCULAR DYSTROPHY-DYSTROGLYCANOPATHY, LIMB-GIRDLE, FRKP-RELATED; MUSCULAR DYSTROPHY, LIMB-GIRDLE, TYPE 2I. Identifiers: Orphanet 34515, MedGen C1846672, MONDO:0011787, OMIM 607155.

Submissions (4):

Labcorp Genetics (formerly Invitae), Labcorp
Classification: Pathogenic for Walker-Warburg congenital muscular dystrophy. Last evaluated: 2026-01-26. Review status: criteria provided, single submitter. Criteria: Invitae Variant Classification Sherloc (09022015). Collection method: clinical testing. Allele origin: germline.
Comment: This sequence change creates a premature translational stop signal (p.Gly391Leufs*72) in the FKRP gene. While this is not anticipated to result in nonsense mediated decay, it is expected to disrupt the last 105 amino acid(s) of the FKRP protein. This variant is present in population databases (rs748087383, gnomAD 0.01%). This premature translational stop signal has been observed in individual(s) with FKRP-related conditions (PMID: 15833426, 26320847, 27363342, 28629604). This variant is also known as 1169–1170delGC. This variant disrupts a region of the FKRP protein in which other variant(s) (p.Ile478Thr) have been determined to be pathogenic (PMID: 16476814, 18639457, 19299310). This suggests that this is a clinically significant region of the protein, and that variants that disrupt it are likely to be disease-causing. For these reasons, this variant has been classified as Pathogenic.

Natera, Inc.
Classification: Pathogenic for Limb-girdle muscular dystrophy type 2I. Last evaluated: 2024-10-15. Review status: criteria provided, single submitter. Criteria: Natera Variant Classification Schema (03/2026). Collection method: clinical testing. Allele origin: germline.
Comment: The c.1170_1171delCG variant in FKRP is a frameshift variant predicted to shift the reading frame beginning at codon 391 and leads to a stop codon 72 codons downstream. This variant is expected to result in nonsense mediated decay, truncation, or a dysfunctional protein product. This variant is rare in the general population with a frequency below the threshold expected for the associated phenotype(s). This variant has been observed in one or more individuals affected with the associated recessive disease, as either homozygous or compound heterozygous with a second variant (PMID: 15833426, 37087885). This variant is located in a functionally critical region of the protein. Given the available evidence, this variant is classified as Pathogenic.

Baylor Genetics
Classification: Pathogenic for Muscular dystrophy-dystroglycanopathy (congenital with brain and eye anomalies), type A5. Last evaluated: 2023-10-11. Review status: criteria provided, single submitter. Criteria: ACMG Guidelines, 2015. Collection method: clinical testing. Allele origin: unknown.

Counsyl
Classification: Pathogenic for Autosomal recessive limb-girdle muscular dystrophy type 2I. Last evaluated: 2018-06-05. Review status: no assertion criteria provided. Collection method: clinical testing. Allele origin: unknown. Not counted in ClinVar's aggregate classification.

Literature cited by the submitters: PubMed 15833426 (cited by 3 submitters); PubMed 26320847 (cited by Labcorp Genetics (formerly Invitae), Labcorp and Counsyl); PubMed 27363342 (cited by Labcorp Genetics (formerly Invitae), Labcorp); PubMed 28629604 (cited by Labcorp Genetics (formerly Invitae), Labcorp and Counsyl); PubMed 16476814 (cited by Labcorp Genetics (formerly Invitae), Labcorp); PubMed 18639457 (cited by Labcorp Genetics (formerly Invitae), Labcorp); PubMed 19299310 (cited by Labcorp Genetics (formerly Invitae), Labcorp); PubMed 37087885 (cited by Natera, Inc.).

NM_024301.5(FKRP):c.1170_1171del (p.Gly391fs)

Gene: FKRP (fukutin related protein; plus strand). Cytogenetic location: 19q13.32.
Variant type: Microsatellite.
Coding change: c.1170_1171del on transcript NM_024301.5 (MANE Select); coding-DNA positions 1170 to 1171, 2 bases deleted (CG; older notation c.1170_1171delCG).
Protein change: p.Gly391fs; shifts the reading frame from glycine 391.
Molecular consequence: frameshift variant.
Genome position (GRCh38, 1-based): chr19:46,756,620-46,756,621, CG deleted; deleting any 2 consecutive bases within chr19:46,756,617-46,756,621 gives the same sequence; the c. name uses the placement nearest the transcript's 3' end. VCF-style (leftmost placement, unchanged base first): chr19-46756616-AGC-A. GRCh37 (hg19) VCF-style: chr19-47259873-AGC-A.
Other names: c.1170_1171del, p.Gly391fs (NM_001039885.3); short protein forms G391fs.
Identifiers: ClinVar variation 558649 (VCV000558649.10), dbSNP rs748087383, ClinGen allele CA9532263.